The following is an entry in ClinVar:

NC_000017.10:g.(?_3392509)_(3571820_?)del

Genes: TRPV3 (transient receptor potential cation channel subfamily V member 3; minus strand), TRPV1 (transient receptor potential cation channel subfamily V member 1; minus strand), ASPA (aspartoacylase; plus strand), CTNS (cystinosin, lysosomal cystine transporter; plus strand), SHPK (sedoheptulokinase; minus strand) and 1 more. Cytogenetic location: 17p13.2.
Variant type: Deletion.
Identifiers: ClinVar variation 1449340 (VCV001449340.4).

ClinVar aggregate classification (germline): Pathogenic. Review status: criteria provided, single submitter (1 of 4 stars). 3 submissions from 1 submitter: Pathogenic (1). 2 of the submissions do not count toward it. Last evaluated 2022-10-28.

Conditions:
Inborn genetic diseases. Identifiers: MedGen C0950123, MeSH D030342.
Juvenile nephropathic cystinosis. Also called: Intermediate Cystinosis; CYSTINOSIS, LATE-ONSET JUVENILE OR ADOLESCENT NEPHROPATHIC TYPE; Later-Onset (Juvenile) Cystinosis. Identifiers: Orphanet 213, Orphanet 411634, MedGen C0268626, MONDO:0009066, OMIM 219900.
Ocular cystinosis. Also called: Non-Nephropathic Cystinosis; Non-Nephropathic (Ocular) Cystinosis. Identifiers: Orphanet 213, Orphanet 411641, MedGen C2931013, MONDO:0009064, OMIM 219750.
Spongy degeneration of central nervous system. Also called: ACY2 DEFICIENCY; AMINOACYLASE 2 DEFICIENCY; ASP DEFICIENCY; ASPA DEFICIENCY; ASPARTOACYLASE DEFICIENCY; CANAVAN-VAN BOGAERT-BERTRAND DISEASE. Identifiers: Orphanet 141, MedGen C0206307, MONDO:0010079, OMIM 271900.

Submissions (3):

Labcorp Genetics (formerly Invitae), Labcorp
Classification: Pathogenic for Inborn genetic diseases; Ocular cystinosis; Juvenile nephropathic cystinosis. Last evaluated: 2022-10-28. Review status: criteria provided, single submitter. Criteria: Invitae Variant Classification Sherloc (09022015). Collection method: clinical testing. Allele origin: germline.
Comment: A gross deletion of the genomic region encompassing the full coding sequence of the CTNS gene has been identified. Loss-of-function variants in CTNS are known to be pathogenic (PMID: 9537412, 27102039). The boundaries of this event are unknown as they extend beyond the assayed region for this gene and therefore may encompass additional genes. This variant has not been reported in the literature in individuals affected with CTNS-related conditions. For these reasons, this variant has been classified as Pathogenic.

Labcorp Genetics (formerly Invitae), Labcorp
Classification: Pathogenic for Spongy degeneration of central nervous system. Last evaluated: 2022-10-28. Review status: flagged submission. Criteria: Invitae Variant Classification Sherloc (09022015). Collection method: clinical testing. Allele origin: germline. Not counted in ClinVar's aggregate classification.
Comment: This variant is a gross deletion of the genomic region encompassing exon(s) 4-6 of the ASPA gene, which includes the termination codon. This deletion extends beyond the assayed region for this gene and therefore may encompass additional genes. While this deletion is not anticipated to lead to nonsense mediated decay, it is expected to alter mRNA translation or result in a truncated protein product. This variant has not been reported in the literature in individuals affected with ASPA-related conditions. The region of the ASPA gene that includes exon(s) 4 has been determined to be clinically significant (PMID: 7668285, 10909858). Therefore, deletions that encompass that region are likely to be disease-causing. For these reasons, this variant has been classified as Pathogenic.
ClinVar note: Reason: This record appears to be redundant with a more recent record from the same submitter.
ClinVar note: Notes: SCV003790114 appears to be redundant with SCV003793883.

Labcorp Genetics (formerly Invitae), Labcorp
Classification: Uncertain significance. Last evaluated: 2021-11-14. Review status: flagged submission. Criteria: Invitae Variant Classification Sherloc (09022015). Collection method: clinical testing. Allele origin: germline. Not counted in ClinVar's aggregate classification.
Comment: A gross deletion of the genomic region encompassing the full coding sequence of the TRPV3 gene has been identified. The current clinical and genetic evidence is not sufficient to establish whether loss-of-function variants in TRPV3 cause disease. The boundaries of this event are unknown as they extend beyond the assayed region for this gene and therefore may encompass additional genes. This variant has not been reported in the literature in individuals affected with TRPV3-related conditions. In summary, the available evidence is currently insufficient to determine the role of this variant in disease. Therefore, it has been classified as a Variant of Uncertain Significance.
ClinVar note: Reason: This record appears to be redundant with a more recent record from the same submitter.
ClinVar note: Notes: SCV002233003 appears to be redundant with SCV003793883.

Literature cited by the submitters: PubMed 9537412; PubMed 27102039; PubMed 7668285; PubMed 10909858.